The following is an entry in ClinVar:

NM_001943.5(DSG2):c.1355T>G (p.Leu452Arg)

Gene: DSG2 (desmoglein 2; plus strand). Cytogenetic location: 18q12.1.
Variant type: single nucleotide variant.
Coding change: c.1355T>G on transcript NM_001943.5 (MANE Select); coding-DNA position 1355, T replaced by G.
Protein change: p.Leu452Arg; replaces leucine 452 with arginine.
Molecular consequence: missense variant.
Genome position (GRCh38, 1-based): chr18:31,535,344, T>G. VCF-style: chr18-31535344-T-G. GRCh37 (hg19) VCF-style: chr18-29115307-T-G.
Other names: c.1355T>G (LRG_397t1); short protein forms L452R.
Identifiers: ClinVar variation 264366 (VCV000264366.13), dbSNP rs763810935, ClinGen allele CA10587916.

ClinVar aggregate classification (germline): Uncertain significance. Review status: criteria provided, multiple submitters, no conflicts (2 of 4 stars). 3 submissions from 3 submitters: Uncertain significance (3). Last evaluated 2024-04-11.

Conditions:
Arrhythmogenic right ventricular dysplasia 10. Also called: Arrhythmogenic Right Ventricular Dysplasia/Cardiomyopathy10; ARRHYTHMOGENIC RIGHT VENTRICULAR DYSPLASIA, FAMILIAL, 10; Arrhythmogenic right ventricular dysplasia/cardiomyopathy, type 10. Identifiers: MedGen C1857777, MONDO:0012434, OMIM 610193.
Cardiovascular phenotype. Identifiers: MedGen CN230736.
Cardiomyopathy (CMYO). Also called: Cardiomyopathies. Identifiers: Orphanet 167848, MedGen C0878544, MONDO:0004994, HP:0001638. Inheritance: Various modes of inheritance.

Allele frequency attached by ClinVar (database versions not stated): TOPMed 0.00003.
gnomAD v4.1: 1 of 1,610,530 alleles (0.000062%); highest among the groups gnomAD compares: Admixed American, 0.0017%; no homozygotes.

Submissions (3):

Labcorp Genetics (formerly Invitae), Labcorp
Classification: Uncertain significance for Arrhythmogenic right ventricular dysplasia 10. Last evaluated: 2024-04-11. Review status: criteria provided, single submitter. Criteria: Invitae Variant Classification Sherloc (09022015). Collection method: clinical testing. Allele origin: germline.
Comment: This sequence change replaces leucine, which is neutral and non-polar, with arginine, which is basic and polar, at codon 452 of the DSG2 protein (p.Leu452Arg). This variant is present in population databases (no rsID available, gnomAD 0.003%). This variant has not been reported in the literature in individuals affected with DSG2-related conditions. ClinVar contains an entry for this variant (Variation ID: 264366). Advanced modeling of protein sequence and biophysical properties (such as structural, functional, and spatial information, amino acid conservation, physicochemical variation, residue mobility, and thermodynamic stability) performed at Invitae indicates that this missense variant is not expected to disrupt DSG2 protein function with a negative predictive value of 95%. In summary, the available evidence is currently insufficient to determine the role of this variant in disease. Therefore, it has been classified as a Variant of Uncertain Significance.

Color Diagnostics, LLC DBA Color Health
Classification: Uncertain significance for Cardiomyopathy. Last evaluated: 2024-03-06. Review status: criteria provided, single submitter. Criteria: ACMG Guidelines, 2015. Collection method: clinical testing. Allele origin: germline.
Comment: This missense variant replaces leucine with arginine at codon 452 of the DSG2 protein. Computational prediction suggests that this variant may not impact protein structure and function (internally defined REVEL score threshold <= 0.5, PMID: 27666373). To our knowledge, functional studies have not been reported for this variant. This variant has not been reported in individuals affected with cardiovascular disorders in the literature. This variant has been identified in 1/247320 chromosomes in the general population by the Genome Aggregation Database (gnomAD). The available evidence is insufficient to determine the role of this variant in disease conclusively. Therefore, this variant is classified as a Variant of Uncertain Significance.

Ambry Genetics
Classification: Uncertain significance for Cardiovascular phenotype. Last evaluated: 2016-07-25. Review status: criteria provided, single submitter. Criteria: Ambry Variant Classification Scheme 2023. Collection method: clinical testing. Allele origin: germline.
Comment: The p.L452R variant (also known as c.1355T>G), located in coding exon 10 of the DSG2 gene, results from a T to G substitution at nucleotide position 1355. The leucine at codon 452 is replaced by arginine, an amino acid with dissimilar properties. This variant was not reported in population based cohorts in the following databases: Database of Single Nucleotide Polymorphisms (dbSNP), NHLBI Exome Sequencing Project (ESP), Exome Aggregation Consortium (ExAC) and 1000 Genomes Project. In the ESP, this variant was not observed in 5875 samples (11750 alleles) with coverage at this position. This amino acid position is poorly conserved in available vertebrate species. In addition, this alteration is predicted to be tolerated by in silico analysis. Since supporting evidence is limited at this time, the clinical significance of this variant remains unclear.